The following is an entry in ClinVar:

NM_000552.5(VWF):c.5180_5181insTT (p.Thr1728fs)

Gene: VWF (von Willebrand factor; minus strand). Cytogenetic location: 12p13.31.
Variant type: Insertion.
Coding change: c.5180_5181insTT on transcript NM_000552.5 (MANE Select); coding-DNA positions 5180 to 5181, TT inserted.
Protein change: p.Thr1728fs; shifts the reading frame from threonine 1728.
Molecular consequence: frameshift variant.
Genome position: GRCh38 VCF-style: chr12-6016646-G-GAA. GRCh37 (hg19) VCF-style: chr12-6125812-G-GAA.
Other names: c.5180_5181insTT (NM_000552.3); short protein forms T1728fs.
Identifiers: ClinVar variation 100419 (VCV000100419.3), dbSNP rs61750602, ClinGen allele CA228703.

ClinVar aggregate classification (germline): Pathogenic. Review status: criteria provided, multiple submitters, no conflicts (2 of 4 stars). 3 submissions from 3 submitters: Pathogenic (2). 1 of the submissions does not count toward it. Last evaluated 2025-06-06.

Submissions (3):

ARUP Laboratories, Molecular Genetics and Genomics, ARUP Laboratories
Classification: Pathogenic. Last evaluated: 2025-06-06. Review status: criteria provided, single submitter. Criteria: ARUP Molecular Germline Variant Investigation Process 2024. Collection method: clinical testing. Allele origin: germline.
Comment: The VWF c.5180_5181insTT; p.Thr1728SerfsTer29 variant (rs61750602, ClinVar Variation ID: 100419) is reported in the literature in the heterozygous, compound heterozygous, and homozygous state in individuals affected with von Willebrand disease (VWD) types 1 and 3 (Bowman 2013, James 2007). The variant also co-segregated with disease in two families (James 2007). This variant is only observed on one allele in the Genome Aggregation Database (v2.1.1), indicating it is not a common polymorphism. This variant causes a frameshift by inserting two nucleotides, so it is predicted to result in a truncated protein or mRNA subject to nonsense-mediated decay. Based on available information, this variant is considered to be pathogenic. References: Bowman M et al. The genetics of Canadian type 3 von Willebrand disease: further evidence for co-dominant inheritance of mutant alleles. J Thromb Haemost. 2013 Mar;11(3):512-20. PMID: 23311757. James PD et al. The mutational spectrum of type 1 von Willebrand disease: Results from a Canadian cohort study. Blood. 2007 Jan 1;109(1):145-54. PMID: 17190853.

GeneDx
Classification: Pathogenic. Last evaluated: 2024-09-16. Review status: criteria provided, single submitter. Criteria: GeneDx Variant Classification Process June 2021. Collection method: clinical testing. Allele origin: germline. Affected: yes.
Comment: Reported in multiple patients with features of Willebrand factor deficiency in the published literature (PMID: 23311757, 31980526, 17190853); Frameshift variant predicted to result in protein truncation or nonsense mediated decay in a gene for which loss of function is a known mechanism of disease; Not observed at significant frequency in large population cohorts (gnomAD); This variant is associated with the following publications: (PMID: 17190853, 31980526, 23311757)

Academic Unit of Haematology, University of Sheffield
No classification provided. Review status: no classification provided. Collection method: not provided. Allele origin: not provided. Not counted in ClinVar's aggregate classification.